The following is an entry in ClinVar:

ClinVar aggregate classification (germline): Uncertain significance (1 of 4 stars; one submission).

Conditions:
Primary dilated cardiomyopathy (DCM). Also called: Dilated Cardiomyopathy. Identifiers: Orphanet 217604, MedGen C0007193, MeSH D002311, MONDO:0005021, HP:0001644. Inheritance: Various modes of inheritance.

gnomAD v4.1: 2 of 1,614,122 alleles (0.00012%); highest among the groups gnomAD compares: Non-Finnish European, 0.00017%; no homozygotes.

Submission:

Labcorp Genetics (formerly Invitae), Labcorp
Classification: Uncertain significance for Primary dilated cardiomyopathy. Last evaluated: 2023-07-10. Review status: criteria provided, single submitter. Criteria: Invitae Variant Classification Sherloc (09022015). Collection method: clinical testing. Allele origin: germline.
Comment: Advanced modeling of protein sequence and biophysical properties (such as structural, functional, and spatial information, amino acid conservation, physicochemical variation, residue mobility, and thermodynamic stability) performed at Invitae indicates that this missense variant is not expected to disrupt FHL2 protein function. This variant has not been reported in the literature in individuals affected with FHL2-related conditions. This variant is not present in population databases (gnomAD no frequency). This sequence change replaces threonine, which is neutral and polar, with arginine, which is basic and polar, at codon 265 of the FHL2 protein (p.Thr265Arg). In summary, the available evidence is currently insufficient to determine the role of this variant in disease. Therefore, it has been classified as a Variant of Uncertain Significance.

NM_001318895.3(FHL2):c.794C>G (p.Thr265Arg)

Genes: C2orf49 (chromosome 2 open reading frame 49; plus strand), FHL2 (four and a half LIM domains 2; minus strand). Cytogenetic location: 2q12.2.
Variant type: single nucleotide variant.
Coding change: c.794C>G on transcript NM_001318895.3 (MANE Select); coding-DNA position 794, C replaced by G.
Protein change: p.Thr265Arg; replaces threonine 265 with arginine.
Molecular consequence: missense variant.
Genome position (GRCh38, 1-based): chr2:105,361,329, G>C on the plus strand (C>G on the coding strand, the complement: FHL2 is on the minus strand). VCF-style: chr2-105361329-G-C. GRCh37 (hg19) VCF-style: chr2-105977786-G-C.
Other names: c.794C>G, p.Thr265Arg (NM_001374399.1, NM_001450.4, NM_201555.3 and 4 more transcripts); c.452C>G, p.Thr151Arg (NM_001318897.2, NM_001318898.2); c.470C>G, p.Thr157Arg (NM_001318899.2); short protein forms T151R, T157R, T265R.
Identifiers: ClinVar variation 2740306 (VCV002740306.3), dbSNP rs764915908, ClinGen allele CA347995107.